The following is an entry in ClinVar:

NM_000329.3(RPE65):c.1485A>C (p.Ala495=)

Gene: RPE65 (retinoid isomerohydrolase RPE65; minus strand). Cytogenetic location: 1p31.3.
Variant type: single nucleotide variant.
Coding change: c.1485A>C on transcript NM_000329.3 (MANE Select); coding-DNA position 1485, A replaced by C.
Protein change: p.Ala495=; no amino-acid change (alanine 495 retained).
Molecular consequence: synonymous variant.
Genome position (GRCh38, 1-based): chr1:68,429,893, T>G on the plus strand (A>C on the coding strand, the complement: RPE65 is on the minus strand). VCF-style: chr1-68429893-T-G. GRCh37 (hg19) VCF-style: chr1-68895576-T-G.
Identifiers: ClinVar variation 1096776 (VCV001096776.31), dbSNP rs753956649, ClinGen allele CA902142.

ClinVar aggregate classification (germline): Likely benign. Review status: criteria provided, multiple submitters, no conflicts (2 of 4 stars). 2 submissions from 2 submitters: Likely benign (2). Last evaluated 2024-01-01.

Conditions:
Leber congenital amaurosis 2 (LCA2). Also called: AMAUROSIS CONGENITA OF LEBER II; Autosomal Recessive RPE65-Related Retinal Degeneration. Identifiers: Orphanet 65, MedGen C1859844, MONDO:0008765, OMIM 204100. Disease mechanism: loss of function.
Retinitis pigmentosa 20 (RP20). Identifiers: Orphanet 791, MedGen C3151086, MONDO:0013425, OMIM 613794.

Allele frequency attached by ClinVar (database versions not stated): gnomAD exomes below 0.00001 and 0.00001; ExAC 0.00002.
gnomAD v4.1: 2 of 1,613,880 alleles (0.00012%); highest among the groups gnomAD compares: Admixed American, 0.0017%; no homozygotes.

Submissions (2):

CeGaT Center for Human Genetics Tuebingen
Classification: Likely benign. Last evaluated: 2024-01-01. Review status: criteria provided, single submitter. Criteria: CeGaT Center For Human Genetics Tuebingen Variant Classification Criteria Version 2. Collection method: clinical testing. Allele origin: germline. Affected: yes. Observed: 1 variant allele.
Comment: RPE65: BP4, BP7

Labcorp Genetics (formerly Invitae), Labcorp
Classification: Likely benign for Leber congenital amaurosis 2; Retinitis pigmentosa 20. Last evaluated: 2023-02-16. Review status: criteria provided, single submitter. Criteria: Invitae Variant Classification Sherloc (09022015). Collection method: clinical testing. Allele origin: germline.